The following is an entry in ClinVar:

NM_004168.4(SDHA):c.1308C>T (p.Tyr436=)

Gene: SDHA (succinate dehydrogenase complex flavoprotein subunit A; plus strand). Cytogenetic location: 5p15.33.
Variant type: single nucleotide variant.
Coding change: c.1308C>T on transcript NM_004168.4 (MANE Select); coding-DNA position 1308, C replaced by T.
Protein change: p.Tyr436=; no amino-acid change (tyrosine 436 retained).
Molecular consequence: synonymous variant.
Genome position (GRCh38, 1-based): chr5:236,475, C>T. VCF-style: chr5-236475-C-T. GRCh37 (hg19) VCF-style: chr5-236590-C-T.
Other names: c.1164C>T, p.Tyr388= (NM_001294332.2); c.1308C>T, p.Tyr436= (NM_001330758.2).
Identifiers: ClinVar variation 472321 (VCV000472321.37), dbSNP rs762494024, ClinGen allele CA3173191.
Genomic context (GRCh38, chr5:236,475, plus strand): 5'-TTCCTTTCCACAGGTCCTGAGGCACGTGAATGGCCAGGATCAGATTGTGCCCGGCCTGTA[C>T]GCCTGTGGGGAGGCCGCCTGTGCCTCGGTACATGGTGCCAACCGCCTCGGGGCAAACTCG-3'
Protein context (NP_004159.2, residues 426-446): NGQDQIVPGL[Tyr436=]ACGEAACASV

ClinVar aggregate classification (germline): Benign/Likely benign. Review status: criteria provided, multiple submitters, no conflicts (2 of 4 stars). 10 submissions from 10 submitters: Benign (2); Likely benign (7). 1 of the submissions does not count toward it. Last evaluated 2026-01-20.

Conditions:
Mitochondrial complex II deficiency, nuclear type 1. Also called: SUCCINATE CoQ REDUCTASE DEFICIENCY. Identifiers: Orphanet 3208, MedGen C5700310, MONDO:0100294, OMIM 252011.
Pheochromocytoma/paraganglioma syndrome 5. Also called: Paragangliomas 5; SDHA-Related Hereditary Paraganglioma-Pheochromocytoma Syndrome. Identifiers: Orphanet 29072, MedGen C3279992, MONDO:0013602, OMIM 614165.
SDHA-related disorder. Also called: SDHA-related disorders; SDHA-related condition.
Dilated cardiomyopathy 1GG (CMD1GG). Identifiers: Orphanet 154, MedGen C3150898, MONDO:0013339, OMIM 613642.
Neurodegeneration with ataxia and late-onset optic atrophy. Identifiers: MedGen C5543254, MONDO:0031006, OMIM 619259.
Hereditary cancer-predisposing syndrome. Also called: Hereditary neoplastic syndrome; Tumor predisposition; Neoplastic Syndromes, Hereditary; Hereditary Cancer Syndrome. Identifiers: Orphanet 140162, MedGen C0027672, MeSH D009386, MONDO:0015356.

Allele frequency attached by ClinVar (database versions not stated): gnomAD 0.00001 and 0.00002; ExAC 0.00002; gnomAD exomes 0.00002 and 0.00007; TOPMed 0.00005.
gnomAD v4.1: 38 of 1,613,828 alleles (0.0024%); highest among the groups gnomAD compares: Admixed American, 0.02%; no homozygotes.

Submissions (10):

Labcorp Genetics (formerly Invitae), Labcorp
Classification: Likely benign for Pheochromocytoma/paraganglioma syndrome 5; Mitochondrial complex II deficiency, nuclear type 1. Last evaluated: 2026-01-20. Review status: criteria provided, single submitter. Criteria: Invitae Variant Classification Sherloc (09022015). Collection method: clinical testing. Allele origin: germline.

CeGaT Center for Human Genetics Tuebingen
Classification: Likely benign. Last evaluated: 2025-12-01. Review status: criteria provided, single submitter. Criteria: CeGaT Center For Human Genetics Tuebingen Variant Classification Criteria Version 2. Collection method: clinical testing. Allele origin: germline. Affected: yes. Observed: 2 variant alleles.
Comment: SDHA: BP4, BP7

Myriad Genetics, Inc.
Classification: Benign for Pheochromocytoma/paraganglioma syndrome 5. Last evaluated: 2025-03-10. Review status: criteria provided, single submitter. Criteria: Myriad Autosomal Dominant, Autosomal Recessive and X-Linked Classification Criteria (2023). Collection method: clinical testing. Allele origin: unknown.
Comment: This variant is considered benign. This variant is a silent/synonymous amino acid change and it is not expected to impact splicing.

Quest Diagnostics Nichols Institute San Juan Capistrano
Classification: Benign. Last evaluated: 2025-01-03. Review status: criteria provided, single submitter. Criteria: Quest Diagnostics criteria. Collection method: clinical testing. Allele origin: unknown.

Blueprint Genetics
Classification: Likely benign. Last evaluated: 2024-06-03. Review status: criteria provided, single submitter. Criteria: ACMG Guidelines, 2015. Collection method: clinical testing. Allele origin: germline.

Department of Pathology and Laboratory Medicine, Sinai Health System
Classification: Likely benign for Mitochondrial complex II deficiency, nuclear type 1; Dilated cardiomyopathy 1GG; Pheochromocytoma/paraganglioma syndrome 5; Neurodegeneration with ataxia and late-onset optic atrophy. Last evaluated: 2023-08-18. Review status: criteria provided, single submitter. Criteria: ACMG Guidelines, 2015. Collection method: clinical testing. Allele origin: germline. Affected: yes.

KCCC/NGS Laboratory, Kuwait Cancer Control Center
Classification: Likely benign for Pheochromocytoma/paraganglioma syndrome 5. Last evaluated: 2023-07-07. Review status: criteria provided, single submitter. Criteria: ACMG Guidelines, 2015. Collection method: clinical testing. Allele origin: germline. Affected: yes.

Sema4
Classification: Likely benign for Hereditary cancer-predisposing syndrome. Last evaluated: 2021-05-31. Review status: criteria provided, single submitter. Criteria: Sema4 Curation Guidelines. Collection method: curation. Allele origin: germline.

Ambry Genetics
Classification: Likely benign for Hereditary cancer-predisposing syndrome. Last evaluated: 2015-09-23. Review status: criteria provided, single submitter. Criteria: Ambry Variant Classification Scheme 2023. Collection method: clinical testing. Allele origin: germline.

PreventionGenetics, part of Exact Sciences
Classification: Likely benign for SDHA-related condition. Last evaluated: 2019-07-30. Review status: no assertion criteria provided. Collection method: clinical testing. Allele origin: germline. Not counted in ClinVar's aggregate classification.
Comment: This variant is classified as likely benign based on ACMG/AMP sequence variant interpretation guidelines (Richards et al. 2015 PMID: 25741868, with internal and published modifications).